The following is an entry in ClinVar:

NM_001085458.2(CTNND1):c.2435+6C>G

Genes: CTNND1 (catenin delta 1; plus strand), TMX2-CTNND1 (TMX2-CTNND1 readthrough (NMD candidate); plus strand). Cytogenetic location: 11q12.1.
Variant type: single nucleotide variant.
Coding change: c.2435+6C>G on transcript NM_001085458.2 (MANE Select); 6 bases into the intron after coding-DNA position 2435, C replaced by G.
Molecular consequence: intron variant.
Genome position (GRCh38, 1-based): chr11:57,809,472, C>G. VCF-style: chr11-57809472-C-G. GRCh37 (hg19) VCF-style: chr11-57576944-C-G.
Other names: c.2435+6C>G (NM_001206885.2); c.2417+6C>G (NM_001085459.2, NM_001085461.2, NM_001331.3 and 2 more transcripts); c.2255+6C>G (NM_001206891.2, NM_001206889.2, NM_001206886.2 and 2 more transcripts); c.2114+6C>G (NM_001085467.2, NM_001206890.2, NM_001085464.2 and 3 more transcripts); c.2273+6C>G (NM_001206883.2, NM_001206884.2); c.2132+6C>G (NM_001085463.2, NM_001085466.2).
Identifiers: ClinVar variation 3035747 (VCV003035747.15), dbSNP rs201388462, ClinGen allele CA6010666.

ClinVar aggregate classification (germline): Likely benign. Review status: criteria provided, single submitter (1 of 4 stars). 2 submissions from 2 submitters: Likely benign (1). 1 of the submissions does not count toward it. Last evaluated 2025-02-01.

Conditions:
CTNND1-related disorder. Also called: CTNND1-related condition.

Allele frequency attached by ClinVar (database versions not stated): 1000 Genomes Project 30x 0.00016; 1000 Genomes Project 0.00020; ExAC 0.00056; ESP Exome Variant Server 0.00067; gnomAD 0.00074; TOPMed 0.00076.
gnomAD v4.1: 1,483 of 1,602,082 alleles (0.093%); highest among the groups gnomAD compares: Non-Finnish European, 0.12%; no homozygotes.

Submissions (2):

CeGaT Center for Human Genetics Tuebingen
Classification: Likely benign. Last evaluated: 2025-02-01. Review status: criteria provided, single submitter. Criteria: CeGaT Center For Human Genetics Tuebingen Variant Classification Criteria Version 2. Collection method: clinical testing. Allele origin: germline. Affected: yes. Observed: 1 variant allele.
Comment: CTNND1: BS1

PreventionGenetics, part of Exact Sciences
Classification: Likely benign for CTNND1-related condition. Last evaluated: 2023-07-13. Review status: no assertion criteria provided. Collection method: clinical testing. Allele origin: germline. Not counted in ClinVar's aggregate classification.
Comment: This variant is classified as likely benign based on ACMG/AMP sequence variant interpretation guidelines (Richards et al. 2015 PMID: 25741868, with internal and published modifications).